The following is an entry in ClinVar:

NM_002890.3(RASA1):c.538del (p.Gln180fs)

Gene: RASA1 (RAS p21 protein activator 1; plus strand). Cytogenetic location: 5q14.3.
Variant type: Deletion.
Coding change: c.538del on transcript NM_002890.3 (MANE Select); coding-DNA position 538, one base deleted (C; older notation c.538delC).
Protein change: p.Gln180fs; shifts the reading frame from glutamine 180.
Molecular consequence: frameshift variant. On other transcripts: 5 prime UTR variant (1).
Genome position (GRCh38, 1-based): chr5:87,268,989, C deleted; the last of 2 consecutive C bases (chr5:87,268,988-87,268,989); deleting either gives the same sequence. VCF-style (leftmost placement, unchanged base first): chr5-87268987-AC-A. GRCh37 (hg19) VCF-style: chr5-86564804-AC-A.
Other names: c.-59del (NM_022650.3); short protein forms Q180fs.
Identifiers: ClinVar variation 1354503 (VCV001354503.6), dbSNP rs2112223340, ClinGen allele CA2573140129.

ClinVar aggregate classification (germline): Pathogenic (1 of 4 stars; one submission).

Conditions:
Capillary malformation-arteriovenous malformation syndrome. Also called: Capillary malformation-arteriovenous malformation. Identifiers: Orphanet 137667, MedGen C1842180, MONDO:0012016.

Submission:

Labcorp Genetics (formerly Invitae), Labcorp
Classification: Pathogenic for Capillary malformation-arteriovenous malformation syndrome. Last evaluated: 2021-10-12. Review status: criteria provided, single submitter. Criteria: Invitae Variant Classification Sherloc (09022015). Collection method: clinical testing. Allele origin: germline.
Comment: For these reasons, this variant has been classified as Pathogenic. This variant has not been reported in the literature in individuals affected with RASA1-related conditions. This variant is not present in population databases (ExAC no frequency). This sequence change creates a premature translational stop signal (p.Gln180Serfs*11) in the RASA1 gene. It is expected to result in an absent or disrupted protein product. Loss-of-function variants in RASA1 are known to be pathogenic (PMID: 24038909).

Literature cited by the submitters: PubMed 24038909.